The following is an entry in ClinVar:

NM_014874.4(MFN2):c.2273A>C (p.Ter758Ser)

Gene: MFN2 (mitofusin 2; plus strand). Cytogenetic location: 1p36.22.
Variant type: single nucleotide variant.
Coding change: c.2273A>C on transcript NM_014874.4 (MANE Select); coding-DNA position 2273, A replaced by C.
Protein change: p.Ter758Ser.
Molecular consequence: stop lost.
Genome position (GRCh38, 1-based): chr1:12,011,564, A>C. VCF-style: chr1-12011564-A-C. GRCh37 (hg19) VCF-style: chr1-12071621-A-C.
Other names: c.2273A>C, p.Ter758Ser (NM_001127660.2).
Identifiers: ClinVar variation 3026726 (VCV003026726.22), dbSNP rs2523135166, ClinGen allele CA338454713.

ClinVar aggregate classification (germline): Uncertain significance (1 of 4 stars; one submission).

Submission:

CeGaT Center for Human Genetics Tuebingen
Classification: Uncertain significance. Last evaluated: 2024-01-01. Review status: criteria provided, single submitter. Criteria: CeGaT Center For Human Genetics Tuebingen Variant Classification Criteria Version 2. Collection method: clinical testing. Allele origin: germline. Affected: yes. Observed: 1 variant allele.
Comment: MFN2: PM2, PM4